The following is an entry in ClinVar:

NM_004937.3(CTNS):c.771_793del (p.Gly258fs)

Gene: CTNS (cystinosin, lysosomal cystine transporter; plus strand). Cytogenetic location: 17p13.2.
Variant type: Deletion.
Coding change: c.771_793del on transcript NM_004937.3 (MANE Select); coding-DNA positions 771 to 793, 23 bases deleted (GGGAGTGACCACGTGGCTGCAGT).
Protein change: p.Gly258fs; shifts the reading frame from glycine 258.
Molecular consequence: frameshift variant.
Genome position (GRCh38, 1-based): chr17:3,658,094-3,658,116, GGGAGTGACCACGTGGCTGCAGT deleted; deleting any 23 consecutive bases within chr17:3,658,082-3,658,116 gives the same sequence; the c. name uses the placement nearest the transcript's 3' end. VCF-style (leftmost placement, unchanged base first): chr17-3658081-TCGTGGCTGCAGTGGGAGTGACCA-T. GRCh37 (hg19) VCF-style: chr17-3561375-TCGTGGCTGCAGTGGGAGTGACCA-T.
Other names: c.771_793del, p.Gly258fs (NM_001031681.3, NM_001374492.1); c.330_352del, p.Gly111fs (NM_001374493.1, NM_001374494.1, NM_001374495.1 and 1 more transcripts); c.771_793del23 (NM_004937.3); c.771_793delGGGAGTGACCACGTGGCTGCAGT (NM_004937.2); short protein forms G258fs, G111fs.
Identifiers: ClinVar variation 496276 (VCV000496276.27), dbSNP rs759623796, ClinGen allele CA8291885.

ClinVar aggregate classification (germline): Pathogenic. Review status: criteria provided, multiple submitters, no conflicts (2 of 4 stars). 12 submissions from 12 submitters: Pathogenic (11). 1 of the submissions does not count toward it. Last evaluated 2025-12-09.

Conditions:
Juvenile nephropathic cystinosis. Also called: Intermediate Cystinosis; CYSTINOSIS, LATE-ONSET JUVENILE OR ADOLESCENT NEPHROPATHIC TYPE; Later-Onset (Juvenile) Cystinosis. Identifiers: Orphanet 213, Orphanet 411634, MedGen C0268626, MONDO:0009066, OMIM 219900.
Ocular cystinosis. Also called: Non-Nephropathic Cystinosis; Non-Nephropathic (Ocular) Cystinosis. Identifiers: Orphanet 213, Orphanet 411641, MedGen C2931013, MONDO:0009064, OMIM 219750.
Nephropathic cystinosis (CTNS). Also called: CYSTINOSIN, DEFECT OF; LYSOSOMAL CYSTINE TRANSPORT PROTEIN, DEFECT OF; Abderhalden Lignac Kaufmann disease; Abderhalden-Kaufmann-Lignac syndrome. Identifiers: Orphanet 213, Orphanet 411629, MedGen C2931187, MONDO:0100151, OMIM 219800.
Renal tubulopathies.
Cystinosis. Also called: Cystine diathesis; Cystine storage disease; Cystinoses. Identifiers: Orphanet 213, MedGen C4316899, MONDO:0016239.
Inborn genetic diseases. Identifiers: MedGen C0950123, MeSH D030342.

Submissions (12):

Genetics Laboratory, Great Ormond Street Hospital NHS Foundation Trust, North Thames Genomic Laboratory Hub
Classification: Pathogenic for Renal tubulopathies. Last evaluated: 2025-12-09. Review status: criteria provided, single submitter. Criteria: ACGS Best Practice Guidelines for Variant Classification in Rare Disease 2024 v1.2. Collection method: clinical testing. Allele origin: germline. Affected: yes.
Comment: PM2_moderate, PVS1_very-strong, PM3_moderate, PP4_moderate

Women's Health and Genetics/Laboratory Corporation of America, LabCorp
Classification: Pathogenic for Nephropathic cystinosis. Last evaluated: 2025-03-03. Review status: criteria provided, single submitter. Criteria: LabCorp Variant Classification Summary - May 2015. Collection method: clinical testing. Allele origin: germline.
Comment: Variant summary: CTNS c.771_793del23 (p.Gly258SerfsX30) results in a premature termination codon, predicted to cause a truncation of the encoded protein or absence of the protein due to nonsense mediated decay, which are commonly known mechanisms for disease. The variant allele was found at a frequency of 2.8e-05 in 251296 control chromosomes. c.771_793del23 has been reported in the literature in individuals affected with Nephropathic cystinosis. These data indicate that the variant is likely to be associated with disease. To our knowledge, no experimental evidence demonstrating an impact on protein function has been reported. The following publications have been ascertained in the context of this evaluation (PMID: 10556299, 26266097). ClinVar contains an entry for this variant (Variation ID: 496276). Based on the evidence outlined above, the variant was classified as pathogenic.

Labcorp Genetics (formerly Invitae), Labcorp
Classification: Pathogenic for Inborn genetic diseases; Ocular cystinosis; Juvenile nephropathic cystinosis. Last evaluated: 2024-12-02. Review status: criteria provided, single submitter. Criteria: Invitae Variant Classification Sherloc (09022015). Collection method: clinical testing. Allele origin: germline.
Comment: This sequence change creates a premature translational stop signal (p.Gly258Serfs*30) in the CTNS gene. It is expected to result in an absent or disrupted protein product. Loss-of-function variants in CTNS are known to be pathogenic (PMID: 9537412, 27102039). This variant is present in population databases (rs759623796, gnomAD 0.02%). This premature translational stop signal has been observed in individuals with cystinosis (PMID: 10556299, 26266097). This variant is also known as c.1109_1131del23. ClinVar contains an entry for this variant (Variation ID: 496276). For these reasons, this variant has been classified as Pathogenic.

Natera, Inc.
Classification: Pathogenic for Cystinosis. Last evaluated: 2024-09-09. Review status: criteria provided, single submitter. Criteria: Natera Variant Classification Schema (03/2026). Collection method: clinical testing. Allele origin: germline.
Comment: The c.771_793delGGGAGTGACCACGTGGCTGCAGT variant in CTNS is a frameshift variant predicted to shift the reading frame beginning at codon 258 and leads to a stop codon 30 codons downstream. This variant is expected to result in nonsense mediated decay, truncation, or a dysfunctional protein product. This variant is rare in the general population with a frequency below the threshold expected for the associated phenotype(s). This variant has been observed in one or more individuals affected with the associated recessive disease, as either homozygous or compound heterozygous with a second variant (PMID: 35524314). Given the available evidence, this variant is classified as Pathogenic.

Genomic Medicine Center of Excellence, King Faisal Specialist Hospital and Research Centre
Classification: Pathogenic for Nephropathic cystinosis. Last evaluated: 2024-03-25. Review status: criteria provided, single submitter. Criteria: ACMG Guidelines, 2015. Collection method: clinical testing. Allele origin: germline.

Fulgent Genetics
Classification: Pathogenic for Ocular cystinosis; Nephropathic cystinosis; Juvenile nephropathic cystinosis. Last evaluated: 2024-01-24. Review status: criteria provided, single submitter. Criteria: ACMG Guidelines, 2015. Collection method: clinical testing. Allele origin: germline.

Neuberg Centre For Genomic Medicine, NCGM
Classification: Pathogenic for Nephropathic cystinosis. Last evaluated: 2023-05-20. Review status: criteria provided, single submitter. Criteria: ACMG Guidelines, 2015. Collection method: clinical testing. Allele origin: germline. Inheritance: Autosomal recessive inheritance. Affected: yes.
Comment: The observed frameshift c.771_793del (p.Gly258SerfsTer30) variant in CTNS gene has been reported in homozygous state in individual(s) affected with cystinosis (Chkioua L et al., 2015; Ghazi F, et. al., 2017). The p.Gly258SerfsTer30 variant is present with allele frequency 0.003% in gnomAD Exomes database. This variant has been submitted to the ClinVar database as Likely Pathogenic / Pathogenic (multiple submitters). This variant causes a frameshift starting with codon Glycine 258, changes this amino acid to Serine residue, and creates a premature Stop codon at position 30 of the new reading frame, denoted p.Gly258SerfsTer30. This variant is predicted to cause loss of normal protein function through protein truncation. Loss-of-function variants in CTNS are known to be pathogenic (Elmonem MA, et. al., 2016). For these reasons, this variant has been classified as Pathogenic.

Baylor Genetics
Classification: Pathogenic for Nephropathic cystinosis. Last evaluated: 2022-12-25. Review status: criteria provided, single submitter. Criteria: ACMG Guidelines, 2015. Collection method: clinical testing. Allele origin: unknown.

Revvity Omics, Revvity
Classification: Pathogenic. Last evaluated: 2021-12-02. Review status: criteria provided, single submitter. Criteria: ACMG Guidelines, 2015. Collection method: clinical testing. Allele origin: germline.

Johns Hopkins Genomics, Johns Hopkins University
Classification: Pathogenic for Nephropathic cystinosis. Last evaluated: 2021-04-26. Review status: criteria provided, single submitter. Criteria: ACMG Guidelines, 2015. Collection method: clinical testing. Allele origin: germline.
Comment: This 23 bp deletion in CTNS has been previously reported in individuals with nephropathic cystinosis. This CTNS variant (rs759623796) is rare (<0.1%) in a large population dataset (gnomAD: 7/251296 total alleles; 0.003%; no homozygotes) and there is an entry in ClinVar. This frameshift variant results in a premature stop codon in exon 11 likely leading to nonsense-mediated decay and lack of protein production. We consider this variant to be pathogenic.

CENTOGENE GmbH and LLC - Guiding Precision Medicine
Classification: Pathogenic for Cystinosis. Review status: criteria provided, single submitter. Criteria: ACMG Guidelines, 2015. Collection method: clinical testing. Allele origin: germline. Affected: yes.

Counsyl
Classification: Likely pathogenic for Nephropathic cystinosis. Last evaluated: 2014-08-16. Review status: no assertion criteria provided. Collection method: clinical testing. Allele origin: unknown. Not counted in ClinVar's aggregate classification.

Literature cited by the submitters: PubMed 10556299 (cited by Women's Health and Genetics/Laboratory Corporation of America, LabCorp and Labcorp Genetics (formerly Invitae), Labcorp); PubMed 26266097 (cited by 3 submitters); PubMed 9537412 (cited by Labcorp Genetics (formerly Invitae), Labcorp); PubMed 27102039 (cited by Labcorp Genetics (formerly Invitae), Labcorp); PubMed 35524314 (cited by Natera, Inc.).